The following is an entry in ClinVar:

ClinVar aggregate classification (germline): Uncertain significance. Review status: criteria provided, multiple submitters, no conflicts (2 of 4 stars). 2 submissions from 2 submitters: Uncertain significance (2). Last evaluated 2025-09-18.

Conditions:
POLD1-related polyposis and colorectal cancer syndrome (CRCS10). Also called: Colorectal cancer 10; COLORECTAL CANCER, SUSCEPTIBILITY TO, ON CHROMOSOME 19q; Colorectal cancer, susceptibility to, 10. Identifiers: Orphanet 220460, MedGen C2675481, MONDO:0012953, OMIM 612591.
Hereditary cancer-predisposing syndrome. Also called: Neoplastic Syndromes, Hereditary; Tumor predisposition; Hereditary Cancer Syndrome; Hereditary neoplastic syndrome. Identifiers: Orphanet 140162, MedGen C0027672, MeSH D009386, MONDO:0015356.

Submissions (2):

Ambry Genetics
Classification: Uncertain significance for Hereditary cancer-predisposing syndrome. Last evaluated: 2025-09-18. Review status: criteria provided, single submitter. Criteria: Ambry Variant Classification Scheme 2023. Collection method: clinical testing. Allele origin: germline.
Comment: The c.17_19delGGC variant (also known as p.R6del) is located in coding exon 1 of the POLD1 gene. This variant results from an in-frame GGC deletion at nucleotide positions 17 to 19. This results in the in-frame deletion of an arginine at codon 6. This amino acid position is not well conserved in available vertebrate species. Based on the available evidence, the clinical significance of this variant remains unclear.

Labcorp Genetics (formerly Invitae), Labcorp
Classification: Uncertain significance for POLD1-related polyposis and colorectal cancer syndrome. Last evaluated: 2025-04-24. Review status: criteria provided, single submitter. Criteria: Invitae Variant Classification Sherloc (09022015). Collection method: clinical testing. Allele origin: germline.
Comment: This variant, c.17_19del, results in the deletion of 1 amino acid(s) of the POLD1 protein (p.Arg6del), but otherwise preserves the integrity of the reading frame. This variant is not present in population databases (gnomAD no frequency). This variant has not been reported in the literature in individuals affected with POLD1-related conditions. Experimental studies and prediction algorithms are not available or were not evaluated, and the functional significance of this variant is currently unknown. In summary, the available evidence is currently insufficient to determine the role of this variant in disease. Therefore, it has been classified as a Variant of Uncertain Significance.

NM_002691.4(POLD1):c.14GGC[1] (p.Arg6del)

Gene: POLD1 (DNA polymerase delta 1, catalytic subunit; plus strand). Cytogenetic location: 19q13.33.
Variant type: Microsatellite.
Coding change: c.14GGC[1] on transcript NM_002691.4 (MANE Select); one copy of the 3-base unit GGC starting at c.14; the reference has two copies in a row; one copy, 3 bases deleted.
Protein change: p.Arg6del; deletes arginine 6.
Molecular consequence: inframe deletion. On other transcripts: non-coding transcript variant (1).
Genome position (GRCh38, 1-based): chr19:50,398,868-50,398,870, GGC deleted; deleting any 3 consecutive bases within chr19:50,398,863-50,398,870 gives the same sequence; the position shown is the placement nearest the transcript's 3' end. VCF-style (leftmost placement, unchanged base first): chr19-50398862-AGCG-A. GRCh37 (hg19) VCF-style: chr19-50902119-AGCG-A.
Other names: c.17_19delGGC (NM_002691.2); c.14GGC[1], p.Arg6del (NM_001256849.1, NM_001308632.1); short protein forms R6del.
Identifiers: ClinVar variation 1492196 (VCV001492196.9), dbSNP rs2122193650, ClinGen allele CA2580614946.